The following is an entry in ClinVar:

ClinVar aggregate classification (germline): Uncertain significance (1 of 4 stars; one submission).

Allele frequency attached by ClinVar (database versions not stated): gnomAD exomes 0.00002; ExAC 0.00003.

Submission:

Labcorp Genetics (formerly Invitae), Labcorp
Classification: Uncertain significance. Last evaluated: 2024-06-10. Review status: criteria provided, single submitter. Criteria: Invitae Variant Classification Sherloc (09022015). Collection method: clinical testing. Allele origin: germline.
Comment: This sequence change replaces arginine, which is basic and polar, with glutamine, which is neutral and polar, at codon 559 of the FZD2 protein (p.Arg559Gln). This variant is present in population databases (rs753511101, gnomAD 0.005%). This variant has not been reported in the literature in individuals affected with FZD2-related conditions. ClinVar contains an entry for this variant (Variation ID: 1442606). An algorithm developed to predict the effect of missense changes on protein structure and function (PolyPhen-2) suggests that this variant is likely to be tolerated. In summary, the available evidence is currently insufficient to determine the role of this variant in disease. Therefore, it has been classified as a Variant of Uncertain Significance.

NM_001466.4(FZD2):c.1676G>A (p.Arg559Gln)

Gene: FZD2 (frizzled class receptor 2; plus strand). Cytogenetic location: 17q21.31.
Variant type: single nucleotide variant.
Coding change: c.1676G>A on transcript NM_001466.4 (MANE Select); coding-DNA position 1676, G replaced by A.
Protein change: p.Arg559Gln; replaces arginine 559 with glutamine.
Molecular consequence: missense variant.
Genome position (GRCh38, 1-based): chr17:44,559,364, G>A. VCF-style: chr17-44559364-G-A. GRCh37 (hg19) VCF-style: chr17-42636732-G-A.
Other names: short protein forms R559Q.
Identifiers: ClinVar variation 1442606 (VCV001442606.6), dbSNP rs753511101, ClinGen allele CA8604816.